The following is an entry in ClinVar:

NM_001070.5(TUBG1):c.50-3C>G

Gene: TUBG1 (tubulin gamma 1; plus strand). Cytogenetic location: 17q21.2.
Variant type: single nucleotide variant.
Coding change: c.50-3C>G on transcript NM_001070.5 (MANE Select); 3 bases into the intron before coding-DNA position 50, C replaced by G.
Molecular consequence: intron variant.
Genome position (GRCh38, 1-based): chr17:42,610,105, C>G. VCF-style: chr17-42610105-C-G. GRCh37 (hg19) VCF-style: chr17-40762123-C-G.
Identifiers: ClinVar variation 1695723 (VCV001695723.2), dbSNP rs755680672, ClinGen allele CA8579752.

ClinVar aggregate classification (germline): Uncertain significance (1 of 4 stars; one submission).

gnomAD v4.1: 19 of 1,614,082 alleles (0.0012%); highest among the groups gnomAD compares: East Asian, 0.0045%; no homozygotes.

Submission:

GeneDx
Classification: Uncertain significance. Last evaluated: 2022-01-05. Review status: criteria provided, single submitter. Criteria: GeneDx Variant Classification Process June 2021. Collection method: clinical testing. Allele origin: germline. Affected: yes.
Comment: In silico analysis supports a deleterious effect on splicing; Has not been previously published as pathogenic or benign to our knowledge